The following is an entry in ClinVar:

NM_001329943.3(KIAA0586):c.2736G>A (p.Pro912=)

Gene: KIAA0586 (KIAA0586; plus strand). Cytogenetic location: 14q23.1.
Variant type: single nucleotide variant.
Coding change: c.2736G>A on transcript NM_001329943.3 (MANE Select); coding-DNA position 2736, G replaced by A.
Protein change: p.Pro912=; no amino-acid change (proline 912 retained).
Molecular consequence: synonymous variant.
Genome position (GRCh38, 1-based): chr14:58,474,708, G>A. VCF-style: chr14-58474708-G-A. GRCh37 (hg19) VCF-style: chr14-58941426-G-A.
Other names: c.2895G>A, p.Pro965= (NM_001244189.2); c.2691G>A, p.Pro897= (NM_001244190.2); c.2481G>A, p.Pro827= (NM_001244191.2, NM_001329945.2, NM_001364700.1 and 1 more transcripts); c.2604G>A, p.Pro868= (NM_001244192.2); c.2316G>A, p.Pro772= (NM_001244193.2); c.2736G>A, p.Pro912= (NM_001329944.2, NM_001329946.2, NM_001329947.2); c.2508G>A, p.Pro836= (NM_014749.5).
Identifiers: ClinVar variation 1647216 (VCV001647216.22), dbSNP rs368984896, ClinGen allele CA7205965.
Genomic context (GRCh38, chr14:58,474,708, plus strand): 5'-TCTGGAGTTTAACAGAAGTGTTAAAGCTGATTCTACAAAATATAATGGTCCTCCATTTCC[G>A]CCAGTTGCTTCTACTTTTCAGCCCACTGCTGATATTCTGGATAAAGTAATTGAGAGAAAA-3'
Protein context (NP_001316872.1, residues 902-922): DSTKYNGPPF[Pro912=]PVASTFQPTA

ClinVar aggregate classification (germline): Likely benign. Review status: criteria provided, multiple submitters, no conflicts (2 of 4 stars). 3 submissions from 3 submitters: Likely benign (3). Last evaluated 2025-12-10.

Conditions:
Short-rib thoracic dysplasia 14 with polydactyly (SRTD14). Identifiers: Orphanet 397715, MedGen C4225286, MONDO:0014688, OMIM 616546.
Joubert syndrome 23 (JBTS23). Identifiers: Orphanet 475, MedGen C4084822, MONDO:0014664, OMIM 616490.

Allele frequency attached by ClinVar (database versions not stated): ExAC 0.00007; ESP Exome Variant Server 0.00008; gnomAD 0.00008 and 0.00009; gnomAD exomes 0.00010; TOPMed 0.00015.
gnomAD v4.1: 265 of 1,613,106 alleles (0.016%); highest among the groups gnomAD compares: Non-Finnish European, 0.021%; no homozygotes.

Submissions (3):

Labcorp Genetics (formerly Invitae), Labcorp
Classification: Likely benign for Joubert syndrome 23; Short-rib thoracic dysplasia 14 with polydactyly. Last evaluated: 2025-12-10. Review status: criteria provided, single submitter. Criteria: Invitae Variant Classification Sherloc (09022015). Collection method: clinical testing. Allele origin: germline.

CeGaT Center for Human Genetics Tuebingen
Classification: Likely benign. Last evaluated: 2025-01-01. Review status: criteria provided, single submitter. Criteria: CeGaT Center For Human Genetics Tuebingen Variant Classification Criteria Version 2. Collection method: clinical testing. Allele origin: germline. Affected: yes. Observed: 1 variant allele.
Comment: KIAA0586: BP4, BP7

Blueprint Genetics
Classification: Likely benign. Last evaluated: 2023-11-27. Review status: criteria provided, single submitter. Criteria: ACMG Guidelines, 2015. Collection method: clinical testing. Allele origin: germline.